The following is an entry in ClinVar:

NM_000059.4(BRCA2):c.681+6T>A

Gene: BRCA2 (BRCA2 DNA repair associated; plus strand). Cytogenetic location: 13q13.1.
Variant type: single nucleotide variant.
Coding change: c.681+6T>A on transcript NM_000059.4 (MANE Select); 6 bases into the intron after coding-DNA position 681, T replaced by A.
Molecular consequence: intron variant.
Genome position (GRCh38, 1-based): chr13:32,329,498, T>A. VCF-style: chr13-32329498-T-A. GRCh37 (hg19) VCF-style: chr13-32903635-T-A.
Identifiers: ClinVar variation 1437663 (VCV001437663.6), dbSNP rs2072373896, ClinGen allele CA2573149295.
Genomic context (GRCh38, chr13:32,329,498, plus strand): 5'-TACAGTCAGAAATGAAGAAGCATCTGAAACTGTATTTCCTCATGATACTACTGCTGTAAG[T>A]AAATATGACATTGATTAGACTGTTGAAATTGCTAACAATTTTGGAATGCCTTGTTAAATT-3'

ClinVar aggregate classification (germline): Uncertain significance (1 of 4 stars; one submission).

Conditions:
Hereditary breast ovarian cancer syndrome. Also called: BRCA1- and BRCA2-Associated Hereditary Breast and Ovarian Cancer; Hereditary breast and ovarian cancer syndrome; Hereditary breast and ovarian cancer; Hereditary breast and ovarian cancer syndrome (HBOC); Breast and ovarian cancer; Hereditary breast and/or ovarian cancer syndrome. Identifiers: Orphanet 145, MedGen C0677776, MeSH D061325, MONDO:0003582. Disease mechanism: loss of function.

Submission:

Labcorp Genetics (formerly Invitae), Labcorp
Classification: Uncertain significance for Hereditary breast ovarian cancer syndrome. Last evaluated: 2024-11-02. Review status: criteria provided, single submitter. Criteria: Invitae Variant Classification Sherloc (09022015). Collection method: clinical testing. Allele origin: germline.
Comment: This sequence change falls in intron 8 of the BRCA2 gene. It does not directly change the encoded amino acid sequence of the BRCA2 protein. It affects a nucleotide within the consensus splice site. This variant is not present in population databases (gnomAD no frequency). This variant has not been reported in the literature in individuals affected with BRCA2-related conditions. ClinVar contains an entry for this variant (Variation ID: 1437663). Variants that disrupt the consensus splice site are a relatively common cause of aberrant splicing (PMID: 17576681, 9536098). Algorithms developed to predict the effect of sequence changes on RNA splicing suggest that this variant may disrupt the consensus splice site. In summary, the available evidence is currently insufficient to determine the role of this variant in disease. Therefore, it has been classified as a Variant of Uncertain Significance.

Literature cited by the submitters: PubMed 17576681; PubMed 9536098.